The following is an entry in ClinVar:

ClinVar aggregate classification (germline): Uncertain significance (1 of 4 stars; one submission).

Conditions:
KBG syndrome (KBGS). Also called: ANKRD11-Related KBG Syndrome. Identifiers: Orphanet 2332, MedGen C0220687, MONDO:0007846, OMIM 148050.

Allele frequency attached by ClinVar (database versions not stated): TOPMed below 0.00001.
gnomAD v4.1: 2 of 1,612,656 alleles (0.00012%); highest among the groups gnomAD compares: Admixed American, 0.0033%; no homozygotes.

Submission:

Labcorp Genetics (formerly Invitae), Labcorp
Classification: Uncertain significance for KBG syndrome. Last evaluated: 2024-10-15. Review status: criteria provided, single submitter. Criteria: Invitae Variant Classification Sherloc (09022015). Collection method: clinical testing. Allele origin: germline.
Comment: This sequence change replaces glycine, which is neutral and non-polar, with valine, which is neutral and non-polar, at codon 2176 of the ANKRD11 protein (p.Gly2176Val). This variant is not present in population databases (gnomAD no frequency). This variant has not been reported in the literature in individuals affected with ANKRD11-related conditions. ClinVar contains an entry for this variant (Variation ID: 2187696). Invitae Evidence Modeling of protein sequence and biophysical properties (such as structural, functional, and spatial information, amino acid conservation, physicochemical variation, residue mobility, and thermodynamic stability) indicates that this missense variant is not expected to disrupt ANKRD11 protein function with a negative predictive value of 95%. In summary, the available evidence is currently insufficient to determine the role of this variant in disease. Therefore, it has been classified as a Variant of Uncertain Significance.

NM_013275.6(ANKRD11):c.6527G>T (p.Gly2176Val)

Gene: ANKRD11 (ankyrin repeat domain 11; minus strand). Cytogenetic location: 16q24.3.
Variant type: single nucleotide variant.
Coding change: c.6527G>T on transcript NM_013275.6 (MANE Select); coding-DNA position 6527, G replaced by T.
Protein change: p.Gly2176Val; replaces glycine 2176 with valine.
Molecular consequence: missense variant.
Genome position (GRCh38, 1-based): chr16:89,280,015, C>A on the plus strand (G>T on the coding strand, the complement: ANKRD11 is on the minus strand). VCF-style: chr16-89280015-C-A. GRCh37 (hg19) VCF-style: chr16-89346423-C-A.
Other names: c.6527G>T, p.Gly2176Val (NM_001256182.2, NM_001256183.2); short protein forms G2176V.
Identifiers: ClinVar variation 2187696 (VCV002187696.4), dbSNP rs1164587139, ClinGen allele CA397150761.
Genomic context (GRCh38, chr16:89,280,015, plus strand): 5'-GAGGCCTGGTCAGGAGGCAGTGCCGGCGGCTCCTCAGCCACTACGGTGGAAACATCCCCA[C>A]CGTTTATGACCCCGGGGGCCCCTGGAGGCATCTCTTCTGGAGGAGCAAGACTTTCTTCCA-3'
Protein context (NP_037407.4, residues 2166-2186): MPPGAPGVIN[Gly2176Val]GDVSTVVAEE